The following is an entry in ClinVar:

NM_000286.3(PEX12):c.342G>A (p.Trp114Ter)

Gene: PEX12 (peroxisomal biogenesis factor 12; minus strand). Cytogenetic location: 17q12.
Variant type: single nucleotide variant.
Coding change: c.342G>A on transcript NM_000286.3 (MANE Select); coding-DNA position 342, G replaced by A.
Protein change: p.Trp114Ter; replaces tryptophan 114 with a stop codon.
Molecular consequence: nonsense.
Genome position (GRCh38, 1-based): chr17:35,577,376, C>T on the plus strand (G>A on the coding strand, the complement: PEX12 is on the minus strand). VCF-style: chr17-35577376-C-T. GRCh37 (hg19) VCF-style: chr17-33904395-C-T.
Other names: short protein forms W114*.
Identifiers: ClinVar variation 1407609 (VCV001407609.6), dbSNP rs2142230890, ClinGen allele CA399138337.

ClinVar aggregate classification (germline): Pathogenic (1 of 4 stars; one submission).

Conditions:
Peroxisome biogenesis disorder 3A (Zellweger). Also called: Peroxisome biogenesis disorder 3A; PEROXISOMAL BIOGENESIS DISORDER 3A (ZELLWEGER). Identifiers: Orphanet 912, MedGen C3553929, MONDO:0013927, OMIM 614859.

Submission:

Labcorp Genetics (formerly Invitae), Labcorp
Classification: Pathogenic for Peroxisome biogenesis disorder 3A (Zellweger). Last evaluated: 2021-02-13. Review status: criteria provided, single submitter. Criteria: Invitae Variant Classification Sherloc (09022015). Collection method: clinical testing. Allele origin: germline.
Comment: This sequence change creates a premature translational stop signal (p.Trp114*) in the PEX12 gene. It is expected to result in an absent or disrupted protein product. Loss-of-function variants in PEX12 are known to be pathogenic (PMID: 9090384, 9632816, 21031596). This variant is not present in population databases (ExAC no frequency). This variant has not been reported in the literature in individuals with PEX12-related conditions. For these reasons, this variant has been classified as Pathogenic.

Literature cited by the submitters: PubMed 9090384; PubMed 9632816; PubMed 21031596.